The following is an entry in ClinVar:

ClinVar aggregate classification (germline): Pathogenic (1 of 4 stars; one submission).

Conditions:
Renal cysts and diabetes syndrome (RCAD). Also called: Familial hypoplastic, glomerulocystic kidney; MATURITY-ONSET DIABETES OF THE YOUNG, TYPE 5. Identifiers: Orphanet 93111, MedGen C0431693, MONDO:0007669, OMIM 137920.

Submission:

Institute of Human Genetics, FAU Erlangen, Friedrich-Alexander-Universität Erlangen-Nürnberg
Classification: Pathogenic for Renal cysts and diabetes syndrome. Last evaluated: 2019-07-06. Review status: criteria provided, single submitter. Criteria: ACMG Guidelines, 2015. Collection method: literature only. Allele origin: germline. Affected: yes.
Comment: This variant and it's classification has been reported by Vasileiou et al. 2019; DOI:10.1101/576918. The variants has previously been reported in PMID:24897035 as "c.967-968 insA p.Thr323AsnfsX36" with clinical significance Pathogenic. It has been re-classified using InterVar and manual curation as Pathogenic based on PVS1 PM2 PP3.

Literature cited by the submitters: PubMed 24897035; DOI 10.1101/576918.

NM_000458.4(HNF1B):c.967dup (p.Thr323fs)

Gene: HNF1B (HNF1 homeobox B; minus strand). Cytogenetic location: 17q12.
Variant type: Duplication.
Coding change: c.967dup on transcript NM_000458.4 (MANE Select); coding-DNA position 967, one base duplicated (A; older notation c.967dupA).
Protein change: p.Thr323fs; shifts the reading frame from threonine 323.
Molecular consequence: frameshift variant.
Genome position (GRCh38, 1-based): chr17:37,731,673, T duplicated on the plus strand (A on the coding strand, the reverse complement: HNF1B is on the minus strand). VCF-style (leftmost placement, unchanged base first): chr17-37731672-G-GT. GRCh37 (hg19) VCF-style: chr17-36091663-G-GT.
Other names: c.889dup, p.Thr297fs (NM_001165923.4, NM_001304286.2); short protein forms T297fs, T323fs.
Identifiers: ClinVar variation 635621 (VCV000635621.1), dbSNP rs2511800990, ClinGen allele CA913190771.